The following is an entry in ClinVar:

NM_000441.2(SLC26A4):c.767C>A (p.Thr256Lys)

Gene: SLC26A4 (solute carrier family 26 member 4; plus strand). Cytogenetic location: 7q22.3.
Variant type: single nucleotide variant.
Coding change: c.767C>A on transcript NM_000441.2 (MANE Select); coding-DNA position 767, C replaced by A.
Protein change: p.Thr256Lys; replaces threonine 256 with lysine.
Molecular consequence: missense variant.
Genome position (GRCh38, 1-based): chr7:107,683,203, C>A. VCF-style: chr7-107683203-C-A. GRCh37 (hg19) VCF-style: chr7-107323648-C-A.
Other names: short protein forms T256K.
Identifiers: ClinVar variation 3002224 (VCV003002224.3), dbSNP rs375279030, ClinGen allele CA368835010.

ClinVar aggregate classification (germline): Uncertain significance (1 of 4 stars; one submission).

gnomAD v4.1: 1 of 1,610,494 alleles (0.000062%); highest among the groups gnomAD compares: Non-Finnish European, 0.000085%; no homozygotes.

Submission:

Labcorp Genetics (formerly Invitae), Labcorp
Classification: Uncertain significance. Last evaluated: 2025-01-13. Review status: criteria provided, single submitter. Criteria: Invitae Variant Classification Sherloc (09022015). Collection method: clinical testing. Allele origin: germline.
Comment: This sequence change replaces threonine, which is neutral and polar, with lysine, which is basic and polar, at codon 256 of the SLC26A4 protein (p.Thr256Lys). This variant is not present in population databases (gnomAD no frequency). This variant has not been reported in the literature in individuals affected with SLC26A4-related conditions. ClinVar contains an entry for this variant (Variation ID: 3002224). An algorithm developed to predict the effect of missense changes on protein structure and function (PolyPhen-2) suggests that this variant is likely to be disruptive. Algorithms developed to predict the effect of sequence changes on RNA splicing suggest that this variant may create or strengthen a splice site. In summary, the available evidence is currently insufficient to determine the role of this variant in disease. Therefore, it has been classified as a Variant of Uncertain Significance.